The following is an entry in ClinVar:

ClinVar aggregate classification (germline): Uncertain significance (1 of 4 stars; one submission).

Conditions:
Hereditary cancer-predisposing syndrome. Also called: Neoplastic Syndromes, Hereditary; Tumor predisposition; Hereditary Cancer Syndrome; Hereditary neoplastic syndrome. Identifiers: Orphanet 140162, MedGen C0027672, MeSH D009386, MONDO:0015356.

Submission:

Ambry Genetics
Classification: Uncertain significance for Hereditary cancer-predisposing syndrome. Last evaluated: 2021-01-14. Review status: criteria provided, single submitter. Criteria: Ambry Variant Classification Scheme 2023. Collection method: clinical testing. Allele origin: germline.
Comment: The p.Q63H variant (also known as c.189G>C), located in coding exon 2 of the TSC2 gene, results from a G to C substitution at nucleotide position 189. The glutamine at codon 63 is replaced by histidine, an amino acid with highly similar properties. This amino acid position is well conserved in available vertebrate species. In addition, this alteration is predicted to be tolerated by in silico analysis. Since supporting evidence is limited at this time, the clinical significance of this alteration remains unclear.

NM_000548.5(TSC2):c.189G>C (p.Gln63His)

Gene: TSC2 (TSC complex subunit 2; plus strand). Cytogenetic location: 16p13.3.
Variant type: single nucleotide variant.
Coding change: c.189G>C on transcript NM_000548.5 (MANE Select); coding-DNA position 189, G replaced by C.
Protein change: p.Gln63His; replaces glutamine 63 with histidine.
Molecular consequence: missense variant. On other transcripts: 5 prime UTR variant (1).
Genome position (GRCh38, 1-based): chr16:2,050,450, G>C. VCF-style: chr16-2050450-G-C. GRCh37 (hg19) VCF-style: chr16-2100451-G-C.
Other names: c.189G>C, p.Gln63His (NM_001077183.3, NM_001114382.3, NM_001318827.2 and 13 more transcripts); c.42G>C, p.Gln14His (NM_001318829.2, NM_001406675.1, NM_001406676.1 and 2 more transcripts); c.-38G>C (NM_001318831.2, NM_001406682.1, NM_001406684.1 and 3 more transcripts); c.222G>C, p.Gln74His (NM_001318832.2); c.-628G>C (NM_001406680.1, NM_001406683.1, NM_001406687.1); c.-257G>C (NM_001406681.1); c.-1243G>C (NM_001406689.1, NM_001406690.1, NM_001406691.1 and 2 more transcripts); c.-1549G>C (NM_001406693.1); and 3 more; short protein forms Q63H, Q14H, Q74H.
Identifiers: ClinVar variation 1782249 (VCV001782249.2), dbSNP rs2150996416, ClinGen allele CA394303439.